The following is an entry in ClinVar:

NM_001288705.3(CSF1R):c.2545T>G (p.Phe849Val)

Gene: CSF1R (colony stimulating factor 1 receptor; minus strand). Cytogenetic location: 5q32.
Variant type: single nucleotide variant.
Coding change: c.2545T>G on transcript NM_001288705.3 (MANE Select); coding-DNA position 2545, T replaced by G.
Protein change: p.Phe849Val; replaces phenylalanine 849 with valine.
Molecular consequence: missense variant. On other transcripts: non-coding transcript variant (2).
Genome position (GRCh38, 1-based): chr5:150,056,035, A>C on the plus strand (T>G on the coding strand, the complement: CSF1R is on the minus strand). VCF-style: chr5-150056035-A-C. GRCh37 (hg19) VCF-style: chr5-149435598-A-C.
Other names: c.2545T>G, p.Phe849Val (NM_001349736.2, NM_001375320.1, NM_005211.4); c.2101T>G, p.Phe701Val (NM_001375321.1); short protein forms F701V, F849V.
Identifiers: ClinVar variation 1717337 (VCV001717337.5), dbSNP rs1757197459, ClinGen allele CA361758279.

ClinVar aggregate classification (germline): Uncertain significance (1 of 4 stars; one submission).

Submission:

Labcorp Genetics (formerly Invitae), Labcorp
Classification: Uncertain significance. Last evaluated: 2024-02-17. Review status: criteria provided, single submitter. Criteria: Invitae Variant Classification Sherloc (09022015). Collection method: clinical testing. Allele origin: germline.
Comment: This sequence change replaces phenylalanine, which is neutral and non-polar, with valine, which is neutral and non-polar, at codon 849 of the CSF1R protein (p.Phe849Val). This variant is not present in population databases (gnomAD no frequency). This missense change has been observed in individual(s) with clinical features of CSF1R-related conditions (Invitae). ClinVar contains an entry for this variant (Variation ID: 1717337). Advanced modeling of protein sequence and biophysical properties (such as structural, functional, and spatial information, amino acid conservation, physicochemical variation, residue mobility, and thermodynamic stability) has been performed at Invitae for this missense variant, however the output from this modeling did not meet the statistical confidence thresholds required to predict the impact of this variant on CSF1R protein function. This variant disrupts the p.Phe849 amino acid residue in CSF1R. Other variant(s) that disrupt this residue have been observed in individuals with CSF1R-related conditions (PMID: 22197934, 25390884), which suggests that this may be a clinically significant amino acid residue. In summary, the available evidence is currently insufficient to determine the role of this variant in disease. Therefore, it has been classified as a Variant of Uncertain Significance.

Literature cited by the submitters: PubMed 22197934; PubMed 25390884.